The following is an entry in ClinVar:

ClinVar aggregate classification (germline): Uncertain significance (1 of 4 stars; one submission).

gnomAD v4.1: 5 of 1,613,604 alleles (0.00031%); highest among the groups gnomAD compares: Middle Eastern, 0.016%; no homozygotes.

Submission:

Labcorp Genetics (formerly Invitae), Labcorp
Classification: Uncertain significance. Last evaluated: 2024-08-13. Review status: criteria provided, single submitter. Criteria: Invitae Variant Classification Sherloc (09022015). Collection method: clinical testing. Allele origin: germline.
Comment: This sequence change replaces valine, which is neutral and non-polar, with isoleucine, which is neutral and non-polar, at codon 390 of the SEPT9 protein (p.Val390Ile). This variant is not present in population databases (gnomAD no frequency). This variant has not been reported in the literature in individuals affected with SEPT9-related conditions. Invitae Evidence Modeling of protein sequence and biophysical properties (such as structural, functional, and spatial information, amino acid conservation, physicochemical variation, residue mobility, and thermodynamic stability) indicates that this missense variant is not expected to disrupt SEPT9 protein function with a negative predictive value of 80%. In summary, the available evidence is currently insufficient to determine the role of this variant in disease. Therefore, it has been classified as a Variant of Uncertain Significance.

NM_001113491.2(SEPTIN9):c.1222G>A (p.Val408Ile)

Gene: SEPTIN9 (septin 9; plus strand). Cytogenetic location: 17q25.3.
Variant type: single nucleotide variant.
Coding change: c.1222G>A on transcript NM_001113491.2 (MANE Select); coding-DNA position 1222, G replaced by A.
Protein change: p.Val408Ile; replaces valine 408 with isoleucine.
Molecular consequence: missense variant.
Genome position (GRCh38, 1-based): chr17:77,488,824, G>A. VCF-style: chr17-77488824-G-A. GRCh37 (hg19) VCF-style: chr17-75484906-G-A.
Other names: c.730G>A, p.Val244Ile (NM_001113492.2, NM_001113494.1); c.1201G>A, p.Val401Ile (NM_001113493.2); c.469G>A, p.Val157Ile (NM_001113495.2, NM_001113496.2, NM_001293697.2 and 1 more transcripts); c.1165G>A, p.Val389Ile (NM_001293695.2); c.550G>A, p.Val184Ile (NM_001293696.2); c.1168G>A, p.Val390Ile (NM_006640.5); short protein forms V157I, V184I, V244I, V389I, V390I, V401I, V408I.
Identifiers: ClinVar variation 3614790 (VCV003614790.2).
Genomic context (GRCh38, chr17:77,488,824, plus strand): 5'-GAGAAATACCTGCAGGAGGAGGTCAACATCAACCGCAAGAAGCGCATCCCGGACACCCGC[G>A]TCCACTGCTGCCTCTACTTCATCCCCGCCACCGGCCACTCGTACGTCCCTGCAGTGTCGG-3'
Protein context (NP_001106963.1, residues 398-418): NRKKRIPDTR[Val408Ile]HCCLYFIPAT